The following is an entry in ClinVar:

NM_000138.5(FBN1):c.3102G>A (p.Met1034Ile)

Gene: FBN1 (fibrillin 1; minus strand). Cytogenetic location: 15q21.1.
Variant type: single nucleotide variant.
Coding change: c.3102G>A on transcript NM_000138.5 (MANE Select); coding-DNA position 3102, G replaced by A.
Protein change: p.Met1034Ile; replaces methionine 1034 with isoleucine.
Molecular consequence: missense variant.
Genome position (GRCh38, 1-based): chr15:48,488,474, C>T on the plus strand (G>A on the coding strand, the complement: FBN1 is on the minus strand). VCF-style: chr15-48488474-C-T. GRCh37 (hg19) VCF-style: chr15-48780671-C-T.
Other names: c.3102G>A, p.Met1034Ile (NM_001406716.1); short protein forms M1034I.
Identifiers: ClinVar variation 2076889 (VCV002076889.7), dbSNP rs1454893360, ClinGen allele CA392328211.

ClinVar aggregate classification (germline): Conflicting classifications of pathogenicity. Review status: criteria provided, conflicting classifications (1 of 4 stars). 4 submissions from 4 submitters: Uncertain significance (3); Likely benign (1). Last evaluated 2024-12-31.

Conditions:
Familial thoracic aortic aneurysm and aortic dissection (TAAD). Also called: Thoracic aortic aneurysms and dissections. Identifiers: Orphanet 91387, MedGen C4707243, MONDO:0019625.
Marfan syndrome (MFS). Also called: MARFAN SYNDROME, TYPE I; Marfan syndrome type 1; Marfan's syndrome; Marfan syndrome, classic; FBN1-Related Marfan Syndrome. Identifiers: Orphanet 284963, Orphanet 558, MedGen C0024796, MONDO:0007947, OMIM 154700.

Allele frequency attached by ClinVar (database versions not stated): gnomAD exomes below 0.00001.

Submissions (4):

GeneDx
Classification: Uncertain significance. Last evaluated: 2024-12-31. Review status: criteria provided, single submitter. Criteria: GeneDx Variant Classification Process June 2021. Collection method: clinical testing. Allele origin: germline.
Comment: Not observed at significant frequency in large population cohorts (gnomAD); In silico analysis indicates that this missense variant does not alter protein structure/function; Has not been previously published as pathogenic or benign to our knowledge; This variant is associated with the following publications: (PMID: 12938084)

Labcorp Genetics (formerly Invitae), Labcorp
Classification: Likely benign for Marfan syndrome; Familial thoracic aortic aneurysm and aortic dissection. Last evaluated: 2024-12-02. Review status: criteria provided, single submitter. Criteria: Invitae Variant Classification Sherloc (09022015). Collection method: clinical testing. Allele origin: germline.

Color Diagnostics, LLC DBA Color Health
Classification: Uncertain significance for Familial thoracic aortic aneurysm and aortic dissection. Last evaluated: 2024-03-06. Review status: criteria provided, single submitter. Criteria: ACMG Guidelines, 2015. Collection method: clinical testing. Allele origin: germline.
Comment: This missense variant replaces methionine with isoleucine at codon 1034 of the FBN1 protein. Computational prediction suggests that this variant may not impact protein structure and function. To our knowledge, functional studies have not been reported for this variant. This variant has not been reported in individuals affected with FBN1-related disorders in the literature. This variant has been identified in 1/251384 chromosomes in the general population by the Genome Aggregation Database (gnomAD). The available evidence is insufficient to determine the role of this variant in disease conclusively. Therefore, this variant is classified as a Variant of Uncertain Significance.

Blueprint Genetics
Classification: Uncertain significance. Last evaluated: 2023-09-27. Review status: criteria provided, single submitter. Criteria: ACMG Guidelines, 2015. Collection method: clinical testing. Allele origin: germline.